The following is an entry in ClinVar:

NM_133261.3(GIPC3):c.57G>T (p.Ala19=)

Gene: GIPC3 (GIPC PDZ domain containing family member 3; plus strand). Cytogenetic location: 19p13.3.
Variant type: single nucleotide variant.
Coding change: c.57G>T on transcript NM_133261.3 (MANE Select); coding-DNA position 57, G replaced by T.
Protein change: p.Ala19=; no amino-acid change (alanine 19 retained).
Molecular consequence: synonymous variant.
Genome position (GRCh38, 1-based): chr19:3,585,654, G>T. VCF-style: chr19-3585654-G-T. GRCh37 (hg19) VCF-style: chr19-3585652-G-T.
Other names: p.Ala19Ala.
Identifiers: ClinVar variation 262317 (VCV000262317.36), dbSNP rs754337950, ClinGen allele CA9080324.
Genomic context (GRCh38, chr19:3,585,654, plus strand): 5'-CGCCATGGAGGGAGCAGCGGCCCGGGAGGCCCGGGGGACCGAGACCCCGCGCGCGTCTGC[G>T]CCCCCGCCCGCGCCCTCGGAGCCCCCGGCCGCGCCCCGCGCCCGCCCGCGCCTCGTCTTC-3'
Protein context (NP_573568.1, residues 9-29): ARGTETPRAS[Ala19=]PPPAPSEPPA

ClinVar aggregate classification (germline): Likely benign. Review status: criteria provided, multiple submitters, no conflicts (2 of 4 stars). 7 submissions from 7 submitters: Likely benign (7). Last evaluated 2024-11-04.

Conditions:
Autosomal recessive nonsyndromic hearing loss 15. Also called: DEAFNESS, AUTOSOMAL RECESSIVE 15; DEAFNESS, AUTOSOMAL RECESSIVE 72; DEAFNESS, AUTOSOMAL RECESSIVE 95. Identifiers: Orphanet 90636, MedGen C1866094, MONDO:0011160, OMIM 601869.

Allele frequency attached by ClinVar (database versions not stated): gnomAD 0.00008 and 0.00013; TOPMed 0.00011; gnomAD exomes 0.00059; ExAC 0.05556.
gnomAD v4.1: 200 of 1,219,268 alleles (0.016%); highest among the groups gnomAD compares: South Asian, 0.29%; 2 homozygotes.

Submissions (7):

Blueprint Genetics
Classification: Likely benign. Last evaluated: 2024-11-04. Review status: criteria provided, single submitter. Criteria: ACMG Guidelines, 2015. Collection method: clinical testing. Allele origin: germline.

Labcorp Genetics (formerly Invitae), Labcorp
Classification: Likely benign. Last evaluated: 2024-03-26. Review status: criteria provided, single submitter. Criteria: Invitae Variant Classification Sherloc (09022015). Collection method: clinical testing. Allele origin: germline.

CeGaT Center for Human Genetics Tuebingen
Classification: Likely benign. Last evaluated: 2023-03-01. Review status: criteria provided, single submitter. Criteria: CeGaT Center For Human Genetics Tuebingen Variant Classification Criteria Version 2. Collection method: clinical testing. Allele origin: germline. Affected: yes. Observed: 1 variant allele.
Comment: GIPC3: BP4, BP7

Fulgent Genetics
Classification: Likely benign for Autosomal recessive nonsyndromic hearing loss 15. Last evaluated: 2021-07-06. Review status: criteria provided, single submitter. Criteria: ACMG Guidelines, 2015. Collection method: clinical testing. Allele origin: unknown.

Laboratory for Molecular Medicine, Mass General Brigham Personalized Medicine
Classification: Likely benign. Last evaluated: 2017-08-23. Review status: criteria provided, single submitter. Criteria: LMM Criteria. Collection method: clinical testing. Allele origin: germline. Observed: 1 variant allele.
Comment: p.Ala19Ala in exon 1 of GIPC3: This variant is not expected to have clinical sig nificance because it does not alter an amino acid residue and is not located wit hin the splice consensus sequence. It has been identified in 0/0 chromosomes by the Exome Aggregation Consortium (ExAC; dbSNP r s754337950).

Breakthrough Genomics
Classification: Likely benign. Review status: criteria provided, single submitter. Criteria: ACMG Guidelines, 2015. Collection method: not provided. Allele origin: germline. Inheritance: Autosomal recessive inheritance. Affected: yes.

PreventionGenetics, part of Exact Sciences
Classification: Likely benign. Review status: criteria provided, single submitter. Criteria: ACMG Guidelines, 2015. Collection method: clinical testing. Allele origin: germline.